The following is an entry in ClinVar:

ClinVar aggregate classification (germline): Uncertain significance (1 of 4 stars; one submission).

Conditions:
Immunodeficiency 23 (IMD23). Also called: IMMUNODEFICIENCY WITH HYPER IgE AND COGNITIVE IMPAIRMENT; IMMUNODEFICIENCY-VASCULITIS-MYOCLONUS SYNDROME. Identifiers: Orphanet 443811, MedGen C4014371, MONDO:0014353, OMIM 615816.

Allele frequency attached by ClinVar (database versions not stated): gnomAD 0.00005; gnomAD exomes 0.00005 and 0.00012; TOPMed 0.00006; ExAC 0.00012.

Submission:

Labcorp Genetics (formerly Invitae), Labcorp
Classification: Uncertain significance for Immunodeficiency 23. Last evaluated: 2022-10-17. Review status: criteria provided, single submitter. Criteria: Invitae Variant Classification Sherloc (09022015). Collection method: clinical testing. Allele origin: germline.
Comment: This sequence change falls in intron 11 of the PGM3 gene. It does not directly change the encoded amino acid sequence of the PGM3 protein. It affects a nucleotide within the consensus splice site. This variant is present in population databases (rs746204699, gnomAD 0.2%). This variant has not been reported in the literature in individuals affected with PGM3-related conditions. ClinVar contains an entry for this variant (Variation ID: 855315). Variants that disrupt the consensus splice site are a relatively common cause of aberrant splicing (PMID: 17576681, 9536098). Algorithms developed to predict the effect of sequence changes on RNA splicing suggest that this variant may disrupt the consensus splice site. In summary, the available evidence is currently insufficient to determine the role of this variant in disease. Therefore, it has been classified as a Variant of Uncertain Significance.

Literature cited by the submitters: PubMed 17576681; PubMed 9536098.

NM_015599.3(PGM3):c.1243-14_1243-3del

Gene: PGM3 (phosphoglucomutase 3; minus strand). Cytogenetic location: 6q14.1.
Variant type: Deletion.
Coding change: c.1243-14_1243-3del on transcript NM_015599.3 (MANE Select); 14 bases into the intron before coding-DNA position 1243 through 3 bases into the intron before coding-DNA position 1243, 12 bases deleted (TTCCCCATTTGC).
Molecular consequence: intron variant.
Genome position (GRCh38, 1-based): chr6:83,172,062-83,172,073, GCAAATGGGGAA deleted on the plus strand (TTCCCCATTTGC on the coding strand, the reverse complement: PGM3 is on the minus strand). VCF-style (leftmost placement, unchanged base first): chr6-83172061-TGCAAATGGGGAA-T. GRCh37 (hg19) VCF-style: chr6-83881780-TGCAAATGGGGAA-T.
Other names: c.1327-14_1327-3del (NM_001199917.2, NM_001367287.1); c.1000-14_1000-3del (NM_001199918.2); c.1243-1595_1243-1584del (NM_001367286.1); c.1243-14_1243-3del (NM_001199919.2).
Identifiers: ClinVar variation 855315 (VCV000855315.5), dbSNP rs746204699, ClinGen allele CA3906563.